The following is an entry in ClinVar:

NM_001079843.3(CASZ1):c.4986CGC[8] (p.Ala1670_Gly1671insAla)

Gene: CASZ1 (castor zinc finger 1; minus strand). Cytogenetic location: 1p36.22.
Variant type: Microsatellite.
Coding change: c.4986CGC[8] on transcript NM_001079843.3 (MANE Select); eight copies in a row of the 3-base unit CGC starting at c.4986; the reference has seven copies in a row; one copy, 3 bases duplicated.
Protein change: p.Ala1670_Gly1671insAla.
Molecular consequence: inframe insertion.
Genome position (GRCh38, 1-based): chr1:10,639,216-10,639,218, GCG duplicated on the plus strand (CGC on the coding strand, the reverse complement: CASZ1 is on the minus strand); duplicating any 3 consecutive bases within chr1:10,639,216-10,639,236 gives the same sequence; the position shown is the placement nearest the transcript's 3' end. VCF-style (leftmost placement, unchanged base first): chr1-10639215-T-TGCG. GRCh37 (hg19) VCF-style: chr1-10699272-T-TGCG.
Identifiers: ClinVar variation 2060892 (VCV002060892.4), dbSNP rs769507455, ClinGen allele CA17863135.

ClinVar aggregate classification (germline): Uncertain significance (1 of 4 stars; one submission).

Submission:

Labcorp Genetics (formerly Invitae), Labcorp
Classification: Uncertain significance. Last evaluated: 2025-05-13. Review status: criteria provided, single submitter. Criteria: Invitae Variant Classification Sherloc (09022015). Collection method: clinical testing. Allele origin: germline.
Comment: This variant, c.5004_5006dup, results in the insertion of 1 amino acid(s) of the CASZ1 protein (p.Ala1670dup), but otherwise preserves the integrity of the reading frame. The frequency data for this variant in the population databases is considered unreliable, as metrics indicate poor data quality at this position in the gnomAD database. This variant has not been reported in the literature in individuals affected with CASZ1-related conditions. In summary, the available evidence is currently insufficient to determine the role of this variant in disease. Therefore, it has been classified as a Variant of Uncertain Significance.